The following is an entry in ClinVar:

ClinVar aggregate classification (germline): Likely pathogenic (1 of 4 stars; one submission).

Conditions:
Catecholaminergic polymorphic ventricular tachycardia 1. Also called: VENTRICULAR TACHYCARDIA, CATECHOLAMINERGIC POLYMORPHIC, 1, WITH OR WITHOUT ATRIAL DYSFUNCTION AND/OR DILATED CARDIOMYOPATHY; VENTRICULAR TACHYCARDIA, STRESS-INDUCED POLYMORPHIC 1; RYR2-Related Catecholaminergic Polymorphic Ventricular Tachycardia. Identifiers: Orphanet 3286, MedGen C1631597, MONDO:0011484, OMIM 604772.

Submission:

Labcorp Genetics (formerly Invitae), Labcorp
Classification: Likely pathogenic for Catecholaminergic polymorphic ventricular tachycardia 1. Last evaluated: 2024-12-06. Review status: criteria provided, single submitter. Criteria: Invitae Variant Classification Sherloc (09022015). Collection method: clinical testing. Allele origin: germline.
Comment: This sequence change replaces glutamic acid, which is acidic and polar, with glycine, which is neutral and non-polar, at codon 3815 of the RYR2 protein (p.Glu3815Gly). This variant is not present in population databases (gnomAD no frequency). This missense change has been observed in individuals with clinical features of cardiac ryanodine receptor calcium release deficiency syndrome (internal data). ClinVar contains an entry for this variant (Variation ID: 1346560). Invitae Evidence Modeling of protein sequence and biophysical properties (such as structural, functional, and spatial information, amino acid conservation, physicochemical variation, residue mobility, and thermodynamic stability) indicates that this missense variant is expected to disrupt RYR2 protein function with a positive predictive value of 95%. In summary, the currently available evidence indicates that the variant is pathogenic, but additional data are needed to prove that conclusively. Therefore, this variant has been classified as Likely Pathogenic.

NM_001035.3(RYR2):c.11444A>G (p.Glu3815Gly)

Gene: RYR2 (ryanodine receptor 2; plus strand). Cytogenetic location: 1q43.
Variant type: single nucleotide variant.
Coding change: c.11444A>G on transcript NM_001035.3 (MANE Select); coding-DNA position 11444, A replaced by G.
Protein change: p.Glu3815Gly; replaces glutamic acid 3815 with glycine.
Molecular consequence: missense variant.
Genome position (GRCh38, 1-based): chr1:237,760,996, A>G. VCF-style: chr1-237760996-A-G. GRCh37 (hg19) VCF-style: chr1-237924296-A-G.
Other names: short protein forms E3815G.
Identifiers: ClinVar variation 1346560 (VCV001346560.7), dbSNP rs2149277178, ClinGen allele CA345430038.